The following is an entry in ClinVar:

NM_019098.5(CNGB3):c.910G>T (p.Val304Phe)

Gene: CNGB3 (cyclic nucleotide gated channel subunit beta 3; minus strand). Cytogenetic location: 8q21.3.
Variant type: single nucleotide variant.
Coding change: c.910G>T on transcript NM_019098.5 (MANE Select); coding-DNA position 910, G replaced by T.
Protein change: p.Val304Phe; replaces valine 304 with phenylalanine.
Molecular consequence: missense variant.
Genome position (GRCh38, 1-based): chr8:86,647,881, C>A on the plus strand (G>T on the coding strand, the complement: CNGB3 is on the minus strand). VCF-style: chr8-86647881-C-A. GRCh37 (hg19) VCF-style: chr8-87660109-C-A.
Other names: c.910G>T (NM_019098.4); short protein forms V304F.
Identifiers: ClinVar variation 1034886 (VCV001034886.11), dbSNP rs1454679758, ClinGen allele CA371448303.

ClinVar aggregate classification (germline): Uncertain significance. Review status: criteria provided, multiple submitters, no conflicts (2 of 4 stars). 3 submissions from 3 submitters: Uncertain significance (2). 1 of the submissions does not count toward it. Last evaluated 2025-02-18.

Conditions:
Inborn genetic diseases. Identifiers: MedGen C0950123, MeSH D030342.
Achromatopsia. Also called: Rod monochromatism. Identifiers: Orphanet 49382, MedGen C0152200, MONDO:0018852, HP:0011516.

Submissions (3):

Ambry Genetics
Classification: Uncertain significance for Inborn genetic diseases. Last evaluated: 2025-02-18. Review status: criteria provided, single submitter. Criteria: Ambry Variant Classification Scheme 2023. Collection method: clinical testing. Allele origin: germline.

Labcorp Genetics (formerly Invitae), Labcorp
Classification: Uncertain significance. Last evaluated: 2020-03-10. Review status: criteria provided, single submitter. Criteria: Invitae Variant Classification Sherloc (09022015). Collection method: clinical testing. Allele origin: germline.
Comment: In summary, the available evidence is currently insufficient to determine the role of this variant in disease. Therefore, it has been classified as a Variant of Uncertain Significance. Algorithms developed to predict the effect of missense changes on protein structure and function are either unavailable or do not agree on the potential impact of this missense change (SIFT: "Deleterious"; PolyPhen-2: "Possibly Damaging"; Align-GVGD: "Class C0"). This variant has not been reported in the literature in individuals with CNGB3-related conditions. This variant is not present in population databases (ExAC no frequency). This sequence change replaces valine with phenylalanine at codon 304 of the CNGB3 protein (p.Val304Phe). The valine residue is moderately conserved and there is a small physicochemical difference between valine and phenylalanine.

Natera, Inc.
Classification: Uncertain significance for Achromatopsia. Last evaluated: 2020-04-29. Review status: no assertion criteria provided. Collection method: clinical testing. Allele origin: germline. Not counted in ClinVar's aggregate classification.